The following is an entry in ClinVar:

NM_006180.6(NTRK2):c.858A>G (p.Ala286=)

Gene: NTRK2 (neurotrophic receptor tyrosine kinase 2; plus strand). Cytogenetic location: 9q21.33.
Variant type: single nucleotide variant.
Coding change: c.858A>G on transcript NM_006180.6 (MANE Select); coding-DNA position 858, A replaced by G.
Protein change: p.Ala286=; no amino-acid change (alanine 286 retained).
Molecular consequence: synonymous variant. On other transcripts: intron variant (2).
Genome position (GRCh38, 1-based): chr9:84,727,658, A>G. VCF-style: chr9-84727658-A-G. GRCh37 (hg19) VCF-style: chr9-87342573-A-G.
Other names: c.858A>G, p.Ala286= (NM_001007097.3, NM_001018064.3, NM_001018065.2 and 16 more transcripts); c.390A>G, p.Ala130= (NM_001369535.1, NM_001369536.1, NM_001369550.1 and 2 more transcripts); c.854-35A>G (NM_001291937.2, NM_001369546.1).
Identifiers: ClinVar variation 3351867 (VCV003351867.2).
Genomic context (GRCh38, chr9:84,727,658, plus strand): 5'-AGATGGGGAGAATTCTGAGCTTTCTGATGCTATTAACTCTCTCTTTTTCAATTTAGTTGC[A>G]CCAACTATCACATTTCTCGAATCTCCAACCTCAGACCACCACTGGTGCATTCCATTCACT-3'
Protein context (NP_006171.2, residues 276-296): QDSVNLTVHF[Ala286=]PTITFLESPT

ClinVar aggregate classification (germline): Likely benign. Review status: criteria provided, single submitter (1 of 4 stars). 2 submissions from 2 submitters: Likely benign (1). 1 of the submissions does not count toward it. Last evaluated 2025-02-07.

Conditions:
NTRK2-related disorder. Also called: NTRK2-related condition.

gnomAD v4.1: 32 of 1,612,242 alleles (0.002%); highest among the groups gnomAD compares: Non-Finnish European, 0.0025%; no homozygotes.

Submissions (2):

Labcorp Genetics (formerly Invitae), Labcorp
Classification: Likely benign. Last evaluated: 2025-02-07. Review status: criteria provided, single submitter. Criteria: Invitae Variant Classification Sherloc (09022015). Collection method: clinical testing. Allele origin: germline.

PreventionGenetics, part of Exact Sciences
Classification: Likely benign for NTRK2-related condition. Last evaluated: 2024-09-25. Review status: no assertion criteria provided. Collection method: clinical testing. Allele origin: germline. Not counted in ClinVar's aggregate classification.
Comment: This variant is classified as likely benign based on ACMG/AMP sequence variant interpretation guidelines (Richards et al. 2015 PMID: 25741868, with internal and published modifications).